The following is an entry in ClinVar:

NM_001330588.2(TPP2):c.2481C>G (p.Asn827Lys)

Gene: TPP2 (tripeptidyl peptidase 2; plus strand). Cytogenetic location: 13q33.1.
Variant type: single nucleotide variant.
Coding change: c.2481C>G on transcript NM_001330588.2 (MANE Select); coding-DNA position 2481, C replaced by G.
Protein change: p.Asn827Lys; replaces asparagine 827 with lysine.
Molecular consequence: missense variant. On other transcripts: non-coding transcript variant (1).
Genome position (GRCh38, 1-based): chr13:102,646,381, C>G. VCF-style: chr13-102646381-C-G. GRCh37 (hg19) VCF-style: chr13-103298731-C-G.
Other names: c.2481C>G, p.Asn827Lys (LRG_1341t1, NM_001367947.1, NM_003291.4); short protein forms N827K.
Identifiers: ClinVar variation 660640 (VCV000660640.8), dbSNP rs1595184475, ClinGen allele CA388499003.

ClinVar aggregate classification (germline): Uncertain significance (1 of 4 stars; one submission).

Conditions:
Evans syndrome, immunodeficiency, and premature immunosenescence associated with tripeptidyl-peptidase II deficiency. Identifiers: MedGen CN231723. Disease mechanism: loss of function.

gnomAD v4.1: 3 of 1,611,586 alleles (0.00019%); highest among the groups gnomAD compares: Non-Finnish European, 0.00025%; no homozygotes.

Submission:

Labcorp Genetics (formerly Invitae), Labcorp
Classification: Uncertain significance for Evans syndrome, immunodeficiency, and premature immunosenescence associated with tripeptidyl-peptidase II deficiency. Last evaluated: 2018-12-20. Review status: criteria provided, single submitter. Criteria: Invitae Variant Classification Sherloc (09022015). Collection method: clinical testing. Allele origin: germline.
Comment: This sequence change replaces asparagine with lysine at codon 827 of the TPP2 protein (p.Asn827Lys). The asparagine residue is moderately conserved and there is a moderate physicochemical difference between asparagine and lysine. This variant is not present in population databases (ExAC no frequency). This variant has not been reported in the literature in individuals with TPP2-related conditions. Algorithms developed to predict the effect of missense changes on protein structure and function are either unavailable or do not agree on the potential impact of this missense change (SIFT: "Tolerated"; PolyPhen-2: "Possibly Damaging"; Align-GVGD: "Class C0"). In summary, the available evidence is currently insufficient to determine the role of this variant in disease. Therefore, it has been classified as a Variant of Uncertain Significance.